The following is an entry in ClinVar:

NM_001040142.2(SCN2A):c.4648del (p.Val1550fs)

Gene: SCN2A (sodium voltage-gated channel alpha subunit 2; plus strand). Cytogenetic location: 2q24.3.
Variant type: Deletion.
Coding change: c.4648del on transcript NM_001040142.2 (MANE Select); coding-DNA position 4648, one base deleted (G; older notation c.4648delG).
Protein change: p.Val1550fs; shifts the reading frame from valine 1550.
Molecular consequence: frameshift variant.
Genome position (GRCh38, 1-based): chr2:165,386,842, G deleted; the last of 2 consecutive G bases (chr2:165,386,841-165,386,842); deleting either gives the same sequence. VCF-style (leftmost placement, unchanged base first): chr2-165386840-TG-T. GRCh37 (hg19) VCF-style: chr2-166243350-TG-T.
Other names: c.4648del, p.Val1550fs (NM_001040143.2, NM_001371246.1, NM_001371247.1 and 1 more transcripts); short protein forms V1550fs.
Identifiers: ClinVar variation 2306221 (VCV002306221.2), dbSNP rs2468149606, ClinGen allele CA2580064470.

ClinVar aggregate classification (germline): Pathogenic (1 of 4 stars; one submission).

Conditions:
Inborn genetic diseases. Identifiers: MedGen C0950123, MeSH D030342.

Submission:

Ambry Genetics
Classification: Pathogenic for Inborn genetic diseases. Last evaluated: 2022-08-18. Review status: criteria provided, single submitter. Criteria: Ambry Variant Classification Scheme 2023. Collection method: clinical testing. Allele origin: germline.
Comment: The c.4648delG (p.V1550Wfs*10) alteration, located in exon 26 (coding exon 25) of the SCN2A gene, consists of a deletion of one nucleotide at position 4648, causing a translational frameshift with a predicted alternate stop codon after 10 amino acids. This alteration is expected to result in loss of function by premature protein truncation or nonsense-mediated mRNA decay. This variant was not reported in population-based cohorts in the Genome Aggregation Database (gnomAD). Based on the available evidence, this alteration is classified as pathogenic.